The following is an entry in ClinVar:

NM_014795.4(ZEB2):c.817del (p.Met272_Leu273insTer)

Gene: ZEB2 (zinc finger E-box binding homeobox 2; minus strand). Cytogenetic location: 2q22.3.
Variant type: Deletion.
Coding change: c.817del on transcript NM_014795.4 (MANE Select); coding-DNA position 817, one base deleted (C; older notation c.817delC).
Protein change: p.Met272_Leu273insTer.
Molecular consequence: nonsense.
Genome position (GRCh38, 1-based): chr2:144,401,298, G deleted on the plus strand (C on the coding strand, the reverse complement: ZEB2 is on the minus strand). VCF-style (leftmost placement, unchanged base first): chr2-144401297-AG-A. GRCh37 (hg19) VCF-style: chr2-145158864-AG-A.
Other names: c.745del, p.Met248_Leu249insTer (NM_001171653.2).
Identifiers: ClinVar variation 2687501 (VCV002687501.2), dbSNP rs2549107895, ClinGen allele CA2586965026.
Genomic context (GRCh38, chr2:144,401,297, plus strand): 5'-TATTTGAAGGCCTTGCCACACTCTGTGCATTTGAACTTGCGATTACCTGCTCCTTGGGTT[AG>A]CATTTGGTGCTATAAAAGGAGAAAGACTGACATCAGTTTTGTGCAGGAGGAACAAAGAAA-3'

ClinVar aggregate classification (germline): Pathogenic (1 of 4 stars; one submission).

Conditions:
Mowat-Wilson syndrome (MOWS). Also called: Classic Mowat-Wilson Syndrome. Identifiers: Orphanet 2152, MedGen C1856113, MONDO:0009341, OMIM 235730.

Submission:

Medical Genetics Unit, Azienda USL-IRCCS di Reggio Emilia
Classification: Pathogenic for Mowat-Wilson syndrome. Last evaluated: 2023-10-20. Review status: criteria provided, single submitter. Criteria: ACMG Guidelines, 2015. Collection method: clinical testing. Allele origin: de novo. Affected: yes. Observed: 1 variant allele.
Comment: Heterozygous variant associated with Mowat-Wilson syndrome in at least 1 individual. ACMG/AMP criteria PVS1, PS2, PM2, PP4

Literature cited by the submitters: PubMed 29300384.